The following is an entry in ClinVar:

ClinVar aggregate classification (germline): Uncertain significance (1 of 4 stars; one submission).

Conditions:
Epidermolysis bullosa simplex with nail dystrophy (EBS5D). Identifiers: MedGen C4225309, MONDO:0014661, OMIM 616487.
Epidermolysis bullosa simplex, Ogna type (EBS5A). Also called: EPIDERMOLYSIS BULLOSA SIMPLEX 5A, OGNA TYPE; Pidermolysis bullosa simplex 5A, Ogna type. Identifiers: Orphanet 79401, MedGen C0432317, MONDO:0007555, OMIM 131950.
Autosomal recessive limb-girdle muscular dystrophy type 2Q (LGMDR17). Also called: MUSCULAR DYSTROPHY, LIMB-GIRDLE, AUTOSOMAL RECESSIVE 17. Identifiers: Orphanet 254361, MedGen C3150989, MONDO:0013390, OMIM 613723.
Epidermolysis bullosa simplex 5B, with muscular dystrophy (EBS5B). Also called: EPIDERMOLYSIS BULLOSA SIMPLEX AND LIMB-GIRDLE MUSCULAR DYSTROPHY; Epidermolysis bullosa simplex with muscular dystrophy. Identifiers: Orphanet 257, MedGen C2931072, MONDO:0009181, OMIM 226670.
Epidermolysis bullosa simplex 5C, with pyloric atresia (EBS5C). Also called: PLEC1-Related Epidermolysis Bullosa with Pyloric Atresia; PLEC-Related Epidermolysis Bullosa with Pyloric Atresia; Epidermolysis bullosa simplex with pyloric atresia. Identifiers: Orphanet 158684, MedGen C2677349, MONDO:0012807, OMIM 612138.

gnomAD v4.1: 2 of 1,589,898 alleles (0.00013%); highest among the groups gnomAD compares: Non-Finnish European, 0.00017%; no homozygotes.

Submission:

Labcorp Genetics (formerly Invitae), Labcorp
Classification: Uncertain significance for Autosomal recessive limb-girdle muscular dystrophy type 2Q; Epidermolysis bullosa simplex, Ogna type; Epidermolysis bullosa simplex with nail dystrophy; Epidermolysis bullosa simplex 5C, with pyloric atresia; Epidermolysis bullosa simplex 5B, with muscular dystrophy. Last evaluated: 2024-06-12. Review status: criteria provided, single submitter. Criteria: Invitae Variant Classification Sherloc (09022015). Collection method: clinical testing. Allele origin: germline.
Comment: This sequence change replaces threonine, which is neutral and polar, with proline, which is neutral and non-polar, at codon 1222 of the PLEC protein (p.Thr1222Pro). This variant is present in population databases (no rsID available, gnomAD 0.001%). This variant has not been reported in the literature in individuals affected with PLEC-related conditions. Advanced modeling of protein sequence and biophysical properties (such as structural, functional, and spatial information, amino acid conservation, physicochemical variation, residue mobility, and thermodynamic stability) performed at Invitae indicates that this missense variant is not expected to disrupt PLEC protein function with a negative predictive value of 80%. In summary, the available evidence is currently insufficient to determine the role of this variant in disease. Therefore, it has been classified as a Variant of Uncertain Significance.

NM_201384.3(PLEC):c.3583A>C (p.Thr1195Pro)

Gene: PLEC (plectin; minus strand). Cytogenetic location: 8q24.3.
Variant type: single nucleotide variant.
Coding change: c.3583A>C on transcript NM_201384.3 (MANE Select); coding-DNA position 3583, A replaced by C.
Protein change: p.Thr1195Pro; replaces threonine 1195 with proline.
Molecular consequence: missense variant.
Genome position (GRCh38, 1-based): chr8:143,927,583, T>G on the plus strand (A>C on the coding strand, the complement: PLEC is on the minus strand). VCF-style: chr8-143927583-T-G. GRCh37 (hg19) VCF-style: chr8-145001751-T-G.
Other names: c.3583A>C, p.Thr1195Pro (NM_201382.4); c.3595A>C, p.Thr1199Pro (NM_201383.3); c.3664A>C, p.Thr1222Pro (NM_000445.5, NM_001410941.1); c.3541A>C, p.Thr1181Pro (NM_201378.4); c.3517A>C, p.Thr1173Pro (NM_201379.3); c.3994A>C, p.Thr1332Pro (NM_201380.4); c.3487A>C, p.Thr1163Pro (NM_201381.3); short protein forms T1163P, T1173P, T1181P, T1195P, T1199P, T1222P, T1332P.
Identifiers: ClinVar variation 3763647 (VCV003763647.2).
Genomic context (GRCh38, chr8:143,927,583, plus strand): 5'-TCTCGCGGTAGTAACGCAGCTGGCGGCCCAGTTGCTCGAGCTCGCGCTGCCGCACGTCGG[T>G]CTGGGCCAGCACAGCCTGCCAGCGCTCAAGCAACTGGGCGACCCGCTCCCGCCAGCGCTC-3'
Protein context (NP_958786.1, residues 1185-1205): LERWQAVLAQ[Thr1195Pro]DVRQRELEQL